The following is an entry in ClinVar:

NM_172351.3(CD46):c.386A>C (p.Glu129Ala)

Gene: CD46 (CD46 molecule; plus strand). Cytogenetic location: 1q32.2.
Variant type: single nucleotide variant.
Coding change: c.386A>C on transcript NM_172351.3 (MANE Select); coding-DNA position 386, A replaced by C.
Protein change: p.Glu129Ala; replaces glutamic acid 129 with alanine.
Molecular consequence: missense variant.
Genome position (GRCh38, 1-based): chr1:207,757,639, A>C. VCF-style: chr1-207757639-A-C. GRCh37 (hg19) VCF-style: chr1-207930984-A-C.
Other names: c.386A>C, p.Glu129Ala (NM_002389.4, NM_153826.4, NM_172350.3 and 8 more transcripts); short protein forms E129A.
Identifiers: ClinVar variation 4291262 (VCV004291262.1).

ClinVar aggregate classification (germline): Uncertain significance (1 of 4 stars; one submission).

Conditions:
Atypical hemolytic-uremic syndrome. Identifiers: Orphanet 2134, MedGen C2931788, MONDO:0016244.

Submission:

Genomenon, Inc
Classification: Uncertain significance for Atypical hemolytic-uremic syndrome. Last evaluated: 2025-10-02. Review status: criteria provided, single submitter. Criteria: Genomenon Sequence Variant Interpretation Standards. Collection method: curation. Allele origin: germline. Affected: no.
Comment: CD46 p.Glu129Ala (c.386A>C) is a missense variant that changes the amino acid at residue 129 from Glutamic acid to Alanine. This variant has been reported in the published literature (PMID:10960475;26357573). It is absent or not present at a significant frequency in gnomAD. In silico models agree that this variant is not damaging. In conclusion, we classify CD46 p.Glu129Ala (c.386A>C) as a variant of uncertain significance.

Literature cited by the submitters: PubMed 10960475; PubMed 26357573.